The following is an entry in ClinVar:

ClinVar aggregate classification (germline): Uncertain significance (1 of 4 stars; one submission).

Conditions:
Familial encephalopathy with neuroserpin inclusion bodies. Also called: ENCEPHALOPATHY, FAMILIAL, WITH COLLINS BODIES. Identifiers: Orphanet 85110, MedGen C1858680, MONDO:0011412, OMIM 604218.

Allele frequency attached by ClinVar (database versions not stated): TOPMed 0.00001.

Submission:

Labcorp Genetics (formerly Invitae), Labcorp
Classification: Uncertain significance for Encephalopathy, familial, with neuroserpin inclusion bodies. Last evaluated: 2019-12-11. Review status: criteria provided, single submitter. Criteria: Invitae Variant Classification Sherloc (09022015). Collection method: clinical testing. Allele origin: germline.
Comment: This sequence change replaces leucine with proline at codon 257 of the SERPINI1 protein (p.Leu257Pro). The leucine residue is highly conserved and there is a moderate physicochemical difference between leucine and proline. This variant is not present in population databases (ExAC no frequency). This variant has not been reported in the literature in individuals with SERPINI1-related disease. Algorithms developed to predict the effect of missense changes on protein structure and function (SIFT, PolyPhen-2, Align-GVGD) all suggest that this variant is likely to be disruptive, but these predictions have not been confirmed by published functional studies and their clinical significance is uncertain. In summary, the available evidence is currently insufficient to determine the role of this variant in disease. Therefore, it has been classified as a Variant of Uncertain Significance.

NM_001122752.2(SERPINI1):c.770T>C (p.Leu257Pro)

Gene: SERPINI1 (serpin family I member 1; plus strand). Cytogenetic location: 3q26.1.
Variant type: single nucleotide variant.
Coding change: c.770T>C on transcript NM_001122752.2 (MANE Select); coding-DNA position 770, T replaced by C.
Protein change: p.Leu257Pro; replaces leucine 257 with proline.
Molecular consequence: missense variant.
Genome position (GRCh38, 1-based): chr3:167,794,713, T>C. VCF-style: chr3-167794713-T-C. GRCh37 (hg19) VCF-style: chr3-167512501-T-C.
Other names: c.770T>C, p.Leu257Pro (NM_005025.5); short protein forms L257P.
Identifiers: ClinVar variation 840108 (VCV000840108.1), dbSNP rs1466251791, ClinGen allele CA355157101.